The following is an entry in ClinVar:

NM_000038.6(APC):c.3664T>G (p.Ser1222Ala)

Gene: APC (APC regulator of Wnt signaling pathway; plus strand). Cytogenetic location: 5q22.2.
Variant type: single nucleotide variant.
Coding change: c.3664T>G on transcript NM_000038.6 (MANE Select); coding-DNA position 3664, T replaced by G.
Protein change: p.Ser1222Ala; replaces serine 1222 with alanine.
Molecular consequence: missense variant.
Genome position (GRCh38, 1-based): chr5:112,839,258, T>G. VCF-style: chr5-112839258-T-G. GRCh37 (hg19) VCF-style: chr5-112174955-T-G.
Other names: c.3664T>G, p.Ser1222Ala (NM_001127510.3, NM_001354895.2, NM_001407450.1); c.3610T>G, p.Ser1204Ala (NM_001127511.3); c.3718T>G, p.Ser1240Ala (NM_001354896.2, NM_001407447.1, NM_001407448.1 and 1 more transcripts); c.3694T>G, p.Ser1232Ala (NM_001354897.2); c.3589T>G, p.Ser1197Ala (NM_001354898.2); c.3580T>G, p.Ser1194Ala (NM_001354899.2); c.3541T>G, p.Ser1181Ala (NM_001354900.2); c.3487T>G, p.Ser1163Ala (NM_001354901.2, NM_001407453.1); and 11 more; short protein forms S1096A, S1139A, S1163A, S1215A, S1250A, S939A, S1062A, S1212A.
Identifiers: ClinVar variation 1733714 (VCV001733714.2), dbSNP rs1765487882, ClinGen allele CA16029376.
Genomic context (GRCh38, chr5:112,839,258, plus strand): 5'-TCTGGACAAAGCAGTAAAACCGAACATATGTCTTCAAGCAGTGAGAATACGTCCACACCT[T>G]CATCTAATGCCAAGAGGCAGAATCAGCTCCATCCAAGTTCTGCACAGAGTAGAAGTGGTC-3'
Protein context (NP_000029.2, residues 1212-1232): SSSSENTSTP[Ser1222Ala]SNAKRQNQLH

ClinVar aggregate classification (germline): Uncertain significance (1 of 4 stars; one submission).

Conditions:
Hereditary cancer-predisposing syndrome. Also called: Neoplastic Syndromes, Hereditary; Tumor predisposition; Hereditary Cancer Syndrome; Hereditary neoplastic syndrome. Identifiers: Orphanet 140162, MedGen C0027672, MeSH D009386, MONDO:0015356.

Allele frequency attached by ClinVar (database versions not stated): TOPMed below 0.00001.

Submission:

Ambry Genetics
Classification: Uncertain significance for Hereditary cancer-predisposing syndrome. Last evaluated: 2021-01-12. Review status: criteria provided, single submitter. Criteria: Ambry Variant Classification Scheme 2023. Collection method: clinical testing. Allele origin: germline.
Comment: The p.S1222A variant (also known as c.3664T>G), located in coding exon 15 of the APC gene, results from a T to G substitution at nucleotide position 3664. The serine at codon 1222 is replaced by alanine, an amino acid with similar properties. This amino acid position is well conserved in available vertebrate species. In addition, in silico predictors for this gene do not accurately predict pathogenicity. Since supporting evidence is limited at this time, the clinical significance of this alteration remains unclear.